The following is an entry in ClinVar:

NM_138713.4(NFAT5):c.3799G>A (p.Glu1267Lys)

Gene: NFAT5 (nuclear factor of activated T cells 5; plus strand). Cytogenetic location: 16q22.1.
Variant type: single nucleotide variant.
Coding change: c.3799G>A on transcript NM_138713.4 (MANE Select); coding-DNA position 3799, G replaced by A.
Protein change: p.Glu1267Lys; replaces glutamic acid 1267 with lysine.
Molecular consequence: missense variant.
Genome position (GRCh38, 1-based): chr16:69,693,624, G>A. VCF-style: chr16-69693624-G-A. GRCh37 (hg19) VCF-style: chr16-69727527-G-A.
Other names: c.3796G>A, p.Glu1266Lys (NM_001113178.3); c.3124G>A, p.Glu1042Lys (NM_001367709.1); c.3745G>A, p.Glu1249Lys (NM_006599.4); c.3517G>A, p.Glu1173Lys (NM_138714.4, NM_173214.3, NM_173215.3); short protein forms E1173K, E1266K, E1042K, E1249K, E1267K.
Identifiers: ClinVar variation 4716997 (VCV004716997.1).

ClinVar aggregate classification (germline): Uncertain significance (1 of 4 stars; one submission).

Conditions:
Immunodeficiency. Identifiers: MedGen C0021051, MONDO:0021094, HP:0002721.

gnomAD v4.1: 2 of 1,613,974 alleles (0.00012%); highest among the groups gnomAD compares: East Asian, 0.0045%; no homozygotes.

Submission:

Labcorp Genetics (formerly Invitae), Labcorp
Classification: Uncertain significance for Immunodeficiency. Last evaluated: 2025-04-09. Review status: criteria provided, single submitter. Criteria: Invitae Variant Classification Sherloc (09022015). Collection method: clinical testing. Allele origin: germline.
Comment: This sequence change replaces glutamic acid, which is acidic and polar, with lysine, which is basic and polar, at codon 1173 of the NFAT5 protein (p.Glu1173Lys). This variant is not present in population databases (gnomAD no frequency). This variant has not been reported in the literature in individuals affected with NFAT5-related conditions. An algorithm developed to predict the effect of missense changes on protein structure and function (PolyPhen-2) suggests that this variant is likely to be tolerated. In summary, the available evidence is currently insufficient to determine the role of this variant in disease. Therefore, it has been classified as a Variant of Uncertain Significance.